The following is an entry in ClinVar:

NM_032447.5(FBN3):c.368G>T (p.Ser123Ile)

Gene: FBN3 (fibrillin 3; minus strand). Cytogenetic location: 19p13.2.
Variant type: single nucleotide variant.
Coding change: c.368G>T on transcript NM_032447.5 (MANE Select); coding-DNA position 368, G replaced by T.
Protein change: p.Ser123Ile; replaces serine 123 with isoleucine.
Molecular consequence: missense variant.
Genome position (GRCh38, 1-based): chr19:8,145,920, C>A on the plus strand (G>T on the coding strand, the complement: FBN3 is on the minus strand). VCF-style: chr19-8145920-C-A. GRCh37 (hg19) VCF-style: chr19-8210804-C-A.
Other names: c.368G>T, p.Ser123Ile (NM_001321431.2); short protein forms S123I.
Identifiers: ClinVar variation 1446818 (VCV001446818.6), dbSNP rs1397858023, ClinGen allele CA403724732.

ClinVar aggregate classification (germline): Uncertain significance (1 of 4 stars; one submission).

Allele frequency attached by ClinVar (database versions not stated): gnomAD exomes below 0.00001.
gnomAD v4.1: 2 of 1,551,320 alleles (0.00013%); highest among the groups gnomAD compares: Non-Finnish European, 0.00017%; no homozygotes.

Submission:

Labcorp Genetics (formerly Invitae), Labcorp
Classification: Uncertain significance. Last evaluated: 2024-02-17. Review status: criteria provided, single submitter. Criteria: Invitae Variant Classification Sherloc (09022015). Collection method: clinical testing. Allele origin: germline.
Comment: This sequence change replaces serine, which is neutral and polar, with isoleucine, which is neutral and non-polar, at codon 123 of the FBN3 protein (p.Ser123Ile). This variant is not present in population databases (gnomAD no frequency). This variant has not been reported in the literature in individuals affected with FBN3-related conditions. ClinVar contains an entry for this variant (Variation ID: 1446818). An algorithm developed to predict the effect of missense changes on protein structure and function (PolyPhen-2) suggests that this variant is likely to be tolerated. In summary, the available evidence is currently insufficient to determine the role of this variant in disease. Therefore, it has been classified as a Variant of Uncertain Significance.